The following is an entry in ClinVar:

NM_001557.4(CXCR2):c.457C>T (p.Arg153Cys)

Gene: CXCR2 (C-X-C motif chemokine receptor 2; plus strand). Cytogenetic location: 2q35.
Variant type: single nucleotide variant.
Coding change: c.457C>T on transcript NM_001557.4 (MANE Select); coding-DNA position 457, C replaced by T.
Protein change: p.Arg153Cys; replaces arginine 153 with cysteine.
Molecular consequence: missense variant.
Genome position (GRCh38, 1-based): chr2:218,135,258, C>T. VCF-style: chr2-218135258-C-T. GRCh37 (hg19) VCF-style: chr2-218999981-C-T.
Other names: c.457C>T, p.Arg153Cys (NM_001168298.2); short protein forms R153C.
Identifiers: ClinVar variation 1377487 (VCV001377487.5), dbSNP rs767538305, ClinGen allele CA2101703.

ClinVar aggregate classification (germline): Uncertain significance (1 of 4 stars; one submission).

Allele frequency attached by ClinVar (database versions not stated): gnomAD exomes 0.00002; gnomAD 0.00003 and 0.00004; TOPMed 0.00005.
gnomAD v4.1: 32 of 1,614,064 alleles (0.002%); highest among the groups gnomAD compares: South Asian, 0.013%; no homozygotes.

Submission:

Labcorp Genetics (formerly Invitae), Labcorp
Classification: Uncertain significance. Last evaluated: 2022-02-10. Review status: criteria provided, single submitter. Criteria: Invitae Variant Classification Sherloc (09022015). Collection method: clinical testing. Allele origin: germline.
Comment: This sequence change replaces arginine, which is basic and polar, with cysteine, which is neutral and slightly polar, at codon 153 of the CXCR2 protein (p.Arg153Cys). This variant is present in population databases (rs767538305, gnomAD 0.009%). This variant has not been reported in the literature in individuals affected with CXCR2-related conditions. Algorithms developed to predict the effect of missense changes on protein structure and function are either unavailable or do not agree on the potential impact of this missense change (SIFT: "Deleterious"; PolyPhen-2: "Possibly Damaging"; Align-GVGD: "Class C15"). In summary, the available evidence is currently insufficient to determine the role of this variant in disease. Therefore, it has been classified as a Variant of Uncertain Significance.